The following is an entry in ClinVar:

ClinVar aggregate classification (germline): Uncertain significance. Review status: criteria provided, multiple submitters, no conflicts (2 of 4 stars). 2 submissions from 2 submitters: Uncertain significance (2). Last evaluated 2025-09-02.

gnomAD v4.1: 5 of 1,593,534 alleles (0.00031%); highest among the groups gnomAD compares: Admixed American, 0.0084%; no homozygotes.

Submissions (2):

Labcorp Genetics (formerly Invitae), Labcorp
Classification: Uncertain significance. Last evaluated: 2025-09-02. Review status: criteria provided, single submitter. Criteria: Invitae Variant Classification Sherloc (09022015). Collection method: clinical testing. Allele origin: germline.
Comment: This sequence change replaces glutamic acid, which is acidic and polar, with glutamine, which is neutral and polar, at codon 198 of the POC5 protein (p.Glu198Gln). This variant is present in population databases (rs752703979, gnomAD 0.009%). This variant has not been reported in the literature in individuals affected with POC5-related conditions. ClinVar contains an entry for this variant (Variation ID: 3421786). An algorithm developed to predict the effect of missense changes on protein structure and function (PolyPhen-2) suggests that this variant is likely to be tolerated. In summary, the available evidence is currently insufficient to determine the role of this variant in disease. Therefore, it has been classified as a Variant of Uncertain Significance.

Ambry Genetics
Classification: Uncertain significance. Last evaluated: 2024-11-10. Review status: criteria provided, single submitter. Criteria: Ambry Variant Classification Scheme 2023. Collection method: clinical testing. Allele origin: germline.

NM_001099271.2(POC5):c.592G>C (p.Glu198Gln)

Gene: POC5 (POC5 centriolar protein; minus strand). Cytogenetic location: 5q13.3.
Variant type: single nucleotide variant.
Coding change: c.592G>C on transcript NM_001099271.2 (MANE Select); coding-DNA position 592, G replaced by C.
Protein change: p.Glu198Gln; replaces glutamic acid 198 with glutamine.
Molecular consequence: missense variant.
Genome position (GRCh38, 1-based): chr5:75,694,753, C>G on the plus strand (G>C on the coding strand, the complement: POC5 is on the minus strand). VCF-style: chr5-75694753-C-G. GRCh37 (hg19) VCF-style: chr5-74990578-C-G.
Other names: c.517G>C, p.Glu173Gln (NM_152408.3); short protein forms E173Q, E198Q.
Identifiers: ClinVar variation 3421786 (VCV003421786.3).